The following is an entry in ClinVar:

ClinVar aggregate classification (germline): Uncertain significance (1 of 4 stars; one submission).

Conditions:
3-methylcrotonyl-CoA carboxylase 2 deficiency. Also called: METHYLCROTONYLGLYCINURIA, TYPE II; 3 alpha methylcrotonyl-CoA carboxylase 2 deficiency; 3 alpha methylcrotonylglycinuria 2; MCC 2 deficiency; Methylcrotonylglycinuria type 2. Identifiers: Orphanet 6, MedGen C1859499, MONDO:0008862, OMIM 210210.

Allele frequency attached by ClinVar (database versions not stated): gnomAD exomes below 0.00001.
gnomAD v4.1: 1 of 1,614,080 alleles (0.000062%); highest among the groups gnomAD compares: Non-Finnish European, 0.000085%; no homozygotes.

Submission:

Labcorp Genetics (formerly Invitae), Labcorp
Classification: Uncertain significance for 3-methylcrotonyl-CoA carboxylase 2 deficiency. Last evaluated: 2020-09-21. Review status: criteria provided, single submitter. Criteria: Invitae Variant Classification Sherloc (09022015). Collection method: clinical testing. Allele origin: germline.
Comment: This variant has not been reported in the literature in individuals with MCCC2-related conditions. In summary, the available evidence is currently insufficient to determine the role of this variant in disease. Therefore, it has been classified as a Variant of Uncertain Significance. Advanced modeling of protein sequence and biophysical properties (such as structural, functional, and spatial information, amino acid conservation, physicochemical variation, residue mobility, and thermodynamic stability) performed at Invitae indicates that this missense variant is not expected to disrupt MCCC2 protein function. This variant is not present in population databases (ExAC no frequency). This sequence change replaces asparagine with serine at codon 518 of the MCCC2 protein (p.Asn518Ser). The asparagine residue is moderately conserved and there is a small physicochemical difference between asparagine and serine.

NM_022132.5(MCCC2):c.1553A>G (p.Asn518Ser)

Gene: MCCC2 (methylcrotonyl-CoA carboxylase subunit 2; plus strand). Cytogenetic location: 5q13.2.
Variant type: single nucleotide variant.
Coding change: c.1553A>G on transcript NM_022132.5 (MANE Select); coding-DNA position 1553, A replaced by G.
Protein change: p.Asn518Ser; replaces asparagine 518 with serine.
Molecular consequence: missense variant.
Genome position (GRCh38, 1-based): chr5:71,652,733, A>G. VCF-style: chr5-71652733-A-G. GRCh37 (hg19) VCF-style: chr5-70948560-A-G.
Other names: c.1439A>G, p.Asn480Ser (NM_001363147.1); short protein forms N480S, N518S.
Identifiers: ClinVar variation 1045747 (VCV001045747.8), dbSNP rs1747471598, ClinGen allele CA360001660.
Genomic context (GRCh38, chr5:71,652,733, plus strand): 5'-CCAGTGCTGATGAAGCGGCTTTAAAAGAGCCCATCATTAAGAAGTTTGAAGAGGAAGGAA[A>G]CCCTTACTATTCCAGCGCAAGGTGGGGGCCAGAACATCACTAACTCTCTGATGGGTGCAG-3'
Protein context (NP_071415.1, residues 508-528): PIIKKFEEEG[Asn518Ser]PYYSSARVWD